The following is an entry in ClinVar:

ClinVar aggregate classification (germline): Uncertain significance. Review status: criteria provided, multiple submitters, no conflicts (2 of 4 stars). 2 submissions from 2 submitters: Uncertain significance (2). Last evaluated 2023-01-28.

Conditions:
Atrioventricular septal defect, susceptibility to, 2. Identifiers: MedGen C1853508, MONDO:0011650, OMIM 606217.

Allele frequency attached by ClinVar (database versions not stated): TOPMed below 0.00001.

Submissions (2):

GeneDx
Classification: Uncertain significance. Last evaluated: 2023-01-28. Review status: criteria provided, single submitter. Criteria: GeneDx Variant Classification Process June 2021. Collection method: clinical testing. Allele origin: germline. Affected: yes.
Comment: Not observed at significant frequency in large population cohorts (gnomAD); In silico analysis supports that this variant does not alter splicing; Has not been previously published as pathogenic or benign to our knowledge

Labcorp Genetics (formerly Invitae), Labcorp
Classification: Uncertain significance for Atrioventricular septal defect, susceptibility to, 2. Last evaluated: 2021-10-20. Review status: criteria provided, single submitter. Criteria: Invitae Variant Classification Sherloc (09022015). Collection method: clinical testing. Allele origin: germline.
Comment: In summary, the available evidence is currently insufficient to determine the role of this variant in disease. Therefore, it has been classified as a Variant of Uncertain Significance. Algorithms developed to predict the effect of missense changes on protein structure and function output the following: SIFT: "Tolerated"; PolyPhen-2: "Benign"; Align-GVGD: "Class C0". The tyrosine amino acid residue is found in multiple mammalian species, which suggests that this missense change does not adversely affect protein function. This variant has not been reported in the literature in individuals affected with CRELD1-related conditions. This variant is not present in population databases (ExAC no frequency). This sequence change replaces histidine with tyrosine at codon 371 of the CRELD1 protein (p.His371Tyr). The histidine residue is weakly conserved and there is a moderate physicochemical difference between histidine and tyrosine.

NM_001077415.3(CRELD1):c.1049-401C>T

Gene: CRELD1 (CRELD disulfide isomerase 1; plus strand). Cytogenetic location: 3p25.3.
Variant type: single nucleotide variant.
Coding change: c.1049-401C>T on transcript NM_001077415.3 (MANE Select); 401 bases into the intron before coding-DNA position 1049, C replaced by T.
Molecular consequence: intron variant. On other transcripts: missense variant (3).
Genome position (GRCh38, 1-based): chr3:9,943,964, C>T. VCF-style: chr3-9943964-C-T. GRCh37 (hg19) VCF-style: chr3-9985648-C-T.
Other names: c.1111C>T, p.His371Tyr (NM_001031717.4); c.1123C>T, p.His375Tyr (NM_001374317.1, NM_001374318.1); c.965-401C>T (NM_001374319.1, NM_001374320.1); c.1049-401C>T (NM_001374316.1, NM_015513.6); short protein forms H375Y, H371Y.
Identifiers: ClinVar variation 1408913 (VCV001408913.6), dbSNP rs760263168, ClinGen allele CA351728302.